The following is an entry in ClinVar:

NM_014679.5(CEP57):c.1396A>G (p.Met466Val)

Gene: CEP57 (centrosomal protein 57; plus strand). Cytogenetic location: 11q21.
Variant type: single nucleotide variant.
Coding change: c.1396A>G on transcript NM_014679.5 (MANE Select); coding-DNA position 1396, A replaced by G.
Protein change: p.Met466Val; replaces methionine 466 with valine.
Molecular consequence: missense variant.
Genome position (GRCh38, 1-based): chr11:95,831,149, A>G. VCF-style: chr11-95831149-A-G. GRCh37 (hg19) VCF-style: chr11-95564313-A-G.
Other names: c.1396A>G (NM_014679.4); c.1369A>G, p.Met457Val (NM_001243776.2); c.1318A>G, p.Met440Val (NM_001243777.2); c.1315A>G, p.Met439Val (NM_001363604.2); short protein forms M439V, M466V, M440V, M457V.
Identifiers: ClinVar variation 1945851 (VCV001945851.6), dbSNP rs765144759, ClinGen allele CA6239788.

ClinVar aggregate classification (germline): Uncertain significance. Review status: criteria provided, multiple submitters, no conflicts (2 of 4 stars). 2 submissions from 2 submitters: Uncertain significance (2). Last evaluated 2025-04-10.

Conditions:
Mosaic variegated aneuploidy syndrome 2 (MVA2). Identifiers: Orphanet 1052, MedGen C3279843, MONDO:0013582, OMIM 614114.
Inborn genetic diseases. Identifiers: MedGen C0950123, MeSH D030342.

Allele frequency attached by ClinVar (database versions not stated): gnomAD exomes below 0.00001; ExAC 0.00001.
gnomAD v4.1: 2 of 1,613,564 alleles (0.00012%); highest among the groups gnomAD compares: Non-Finnish European, 0.00017%; no homozygotes.

Submissions (2):

Ambry Genetics
Classification: Uncertain significance for Inborn genetic diseases. Last evaluated: 2025-04-10. Review status: criteria provided, single submitter. Criteria: Ambry Variant Classification Scheme 2023. Collection method: clinical testing. Allele origin: germline.
Comment: The p.M466V variant (also known as c.1396A>G), located in coding exon 11 of the CEP57 gene, results from an A to G substitution at nucleotide position 1396. The methionine at codon 466 is replaced by valine, an amino acid with highly similar properties. This amino acid position is conserved. In addition, this alteration is predicted to be tolerated by in silico analysis. Based on the available evidence, the clinical significance of this variant remains unclear.

Labcorp Genetics (formerly Invitae), Labcorp
Classification: Uncertain significance for Mosaic variegated aneuploidy syndrome 2. Last evaluated: 2022-03-03. Review status: criteria provided, single submitter. Criteria: Invitae Variant Classification Sherloc (09022015). Collection method: clinical testing. Allele origin: germline.
Comment: This sequence change replaces methionine, which is neutral and non-polar, with valine, which is neutral and non-polar, at codon 466 of the CEP57 protein (p.Met466Val). This variant is present in population databases (rs765144759, gnomAD 0.0009%). In summary, the available evidence is currently insufficient to determine the role of this variant in disease. Therefore, it has been classified as a Variant of Uncertain Significance. Algorithms developed to predict the effect of missense changes on protein structure and function output the following: SIFT: "Tolerated"; PolyPhen-2: "Benign"; Align-GVGD: "Class C0". The valine amino acid residue is found in multiple mammalian species, which suggests that this missense change does not adversely affect protein function. This variant has not been reported in the literature in individuals affected with CEP57-related conditions.